The following is an entry in ClinVar:

ClinVar aggregate classification (germline): Uncertain significance (1 of 4 stars; one submission).

Allele frequency attached by ClinVar (database versions not stated): gnomAD 0.00001.
gnomAD v4.1: 7 of 1,614,006 alleles (0.00043%); highest among the groups gnomAD compares: Admixed American, 0.0017%; no homozygotes.

Submission:

Ambry Genetics
Classification: Uncertain significance. Last evaluated: 2022-05-04. Review status: criteria provided, single submitter. Criteria: Ambry Variant Classification Scheme 2023. Collection method: clinical testing. Allele origin: germline.
Comment: The p.F1359L variant (also known as c.4077T>G), located in coding exon 17 of the NPAT gene, results from a T to G substitution at nucleotide position 4077. The phenylalanine at codon 1359 is replaced by leucine, an amino acid with highly similar properties. This amino acid position is conserved. In addition, this alteration is predicted to be tolerated by in silico analysis. Since supporting evidence is limited at this time, the clinical significance of this alteration remains unclear.

NM_002519.3(NPAT):c.4077T>G (p.Phe1359Leu)

Gene: NPAT (nuclear protein, coactivator of histone transcription; minus strand). Cytogenetic location: 11q22.3.
Variant type: single nucleotide variant.
Coding change: c.4077T>G on transcript NM_002519.3 (MANE Select); coding-DNA position 4077, T replaced by G.
Protein change: p.Phe1359Leu; replaces phenylalanine 1359 with leucine.
Molecular consequence: missense variant.
Genome position (GRCh38, 1-based): chr11:108,161,009, A>C on the plus strand (T>G on the coding strand, the complement: NPAT is on the minus strand). VCF-style: chr11-108161009-A-C. GRCh37 (hg19) VCF-style: chr11-108031736-A-C.
Other names: c.4098T>G, p.Phe1366Leu (NM_001321307.1); short protein forms F1359L, F1366L.
Identifiers: ClinVar variation 1737593 (VCV001737593.2), dbSNP rs750254457, ClinGen allele CA6263481.